The following is an entry in ClinVar:

NM_000037.4(ANK1):c.5540A>G (p.Glu1847Gly)

Gene: ANK1 (ankyrin 1; minus strand). Cytogenetic location: 8p11.21.
Variant type: single nucleotide variant.
Coding change: c.5540A>G on transcript NM_000037.4 (MANE Select); coding-DNA position 5540, A replaced by G.
Protein change: p.Glu1847Gly; replaces glutamic acid 1847 with glycine.
Molecular consequence: missense variant. On other transcripts: intron variant (1).
Genome position (GRCh38, 1-based): chr8:41,661,880, T>C on the plus strand (A>G on the coding strand, the complement: ANK1 is on the minus strand). VCF-style: chr8-41661880-T-C. GRCh37 (hg19) VCF-style: chr8-41519398-T-C.
Other names: p.Glu1847Gly; c.365A>G, p.Glu122Gly (NM_001142445.2, NM_020478.5); c.5663A>G, p.Glu1888Gly (NM_001142446.2); c.5540A>G, p.Glu1847Gly (NM_020475.3, NM_020476.3); c.5054A>G, p.Glu1685Gly (NM_020477.3); c.303+1779A>G (NM_020480.5); short protein forms E1847G, E122G, E1685G, E1888G.
Identifiers: ClinVar variation 4541352 (VCV004541352.1).

ClinVar aggregate classification (germline): Uncertain significance (1 of 4 stars; one submission).

Submission:

Mayo Clinic Laboratories, Mayo Clinic
Classification: Uncertain significance. Last evaluated: 2025-07-22. Review status: criteria provided, single submitter. Criteria: ACMG Guidelines, 2015. Collection method: clinical testing. Allele origin: germline. Observed: 1 variant allele.
Comment: BP4, PM2_supporting